The following is an entry in ClinVar:

ClinVar aggregate classification (germline): Uncertain significance. Review status: criteria provided, multiple submitters, no conflicts (2 of 4 stars). 2 submissions from 2 submitters: Uncertain significance (2). Last evaluated 2025-04-01.

Conditions:
Spondylodysplastic Ehlers-Danlos syndrome. Identifiers: Orphanet 536471, Orphanet 75496, MedGen C5680154, MONDO:0007526.

Allele frequency attached by ClinVar (database versions not stated): gnomAD exomes below 0.00001; TOPMed 0.00001.

Submissions (2):

CeGaT Center for Human Genetics Tuebingen
Classification: Uncertain significance. Last evaluated: 2025-04-01. Review status: criteria provided, single submitter. Criteria: CeGaT Center For Human Genetics Tuebingen Variant Classification Criteria Version 2. Collection method: clinical testing. Allele origin: germline. Affected: yes. Observed: 2 variant alleles.
Comment: B4GALT7: PM2

Labcorp Genetics (formerly Invitae), Labcorp
Classification: Uncertain significance for Spondylodysplastic Ehlers-Danlos syndrome. Last evaluated: 2022-07-05. Review status: criteria provided, single submitter. Criteria: Invitae Variant Classification Sherloc (09022015). Collection method: clinical testing. Allele origin: germline.
Comment: In summary, the available evidence is currently insufficient to determine the role of this variant in disease. Therefore, it has been classified as a Variant of Uncertain Significance. Algorithms developed to predict the effect of missense changes on protein structure and function are either unavailable or do not agree on the potential impact of this missense change (SIFT: "Deleterious"; PolyPhen-2: "Probably Damaging"; Align-GVGD: "Class C0"). ClinVar contains an entry for this variant (Variation ID: 1415808). This variant has not been reported in the literature in individuals affected with B4GALT7-related conditions. This variant is not present in population databases (gnomAD no frequency). This sequence change replaces valine, which is neutral and non-polar, with alanine, which is neutral and non-polar, at codon 164 of the B4GALT7 protein (p.Val164Ala).

NM_007255.3(B4GALT7):c.491T>C (p.Val164Ala)

Gene: B4GALT7 (beta-1,4-galactosyltransferase 7; plus strand). Cytogenetic location: 5q35.3.
Variant type: single nucleotide variant.
Coding change: c.491T>C on transcript NM_007255.3 (MANE Select); coding-DNA position 491, T replaced by C.
Protein change: p.Val164Ala; replaces valine 164 with alanine.
Molecular consequence: missense variant.
Genome position (GRCh38, 1-based): chr5:177,607,379, T>C. VCF-style: chr5-177607379-T-C. GRCh37 (hg19) VCF-style: chr5-177034380-T-C.
Other names: short protein forms V164A.
Identifiers: ClinVar variation 1415808 (VCV001415808.29), dbSNP rs1281774679, ClinGen allele CA362375265.